The following is an entry in ClinVar:

ClinVar aggregate classification (germline): Uncertain significance (1 of 4 stars; one submission).

Conditions:
Familial cancer of breast. Also called: hereditary breast carcinoma; BREAST CANCER, FAMILIAL; Hereditary breast cancer. Identifiers: Orphanet 227535, MedGen C0346153, MONDO:0016419, OMIM 114480. Disease mechanism: loss of function.

Submission:

Labcorp Genetics (formerly Invitae), Labcorp
Classification: Uncertain significance for Familial cancer of breast. Last evaluated: 2024-03-01. Review status: criteria provided, single submitter. Criteria: Invitae Variant Classification Sherloc (09022015). Collection method: clinical testing. Allele origin: germline.
Comment: This sequence change replaces isoleucine, which is neutral and non-polar, with serine, which is neutral and polar, at codon 105 of the BARD1 protein (p.Ile105Ser). This variant is not present in population databases (gnomAD no frequency). This variant has not been reported in the literature in individuals affected with BARD1-related conditions. An algorithm developed to predict the effect of missense changes on protein structure and function (PolyPhen-2) suggests that this variant is likely to be disruptive. In summary, the available evidence is currently insufficient to determine the role of this variant in disease. Therefore, it has been classified as a Variant of Uncertain Significance.

NM_000465.4(BARD1):c.314T>G (p.Ile105Ser)

Gene: BARD1 (BRCA1 associated RING domain 1; minus strand). Cytogenetic location: 2q35.
Variant type: single nucleotide variant.
Coding change: c.314T>G on transcript NM_000465.4 (MANE Select); coding-DNA position 314, T replaced by G.
Protein change: p.Ile105Ser; replaces isoleucine 105 with serine.
Molecular consequence: missense variant. On other transcripts: non-coding transcript variant (1), intron variant (2).
Genome position (GRCh38, 1-based): chr2:214,792,347, A>C on the plus strand (T>G on the coding strand, the complement: BARD1 is on the minus strand). VCF-style: chr2-214792347-A-C. GRCh37 (hg19) VCF-style: chr2-215657071-A-C.
Other names: c.257T>G, p.Ile86Ser (NM_001282543.2); c.314T>G, p.Ile105Ser (NM_001282549.2); c.158+17065T>G (NM_001282548.2); c.215+4714T>G (NM_001282545.2); short protein forms I105S, I86S.
Identifiers: ClinVar variation 3643673 (VCV003643673.2).